The following is an entry in ClinVar:

NM_000363.5(TNNI3):c.64C>G (p.Arg22Gly)

Gene: TNNI3 (troponin I3, cardiac type; minus strand). Cytogenetic location: 19q13.42.
Variant type: single nucleotide variant.
Coding change: c.64C>G on transcript NM_000363.5 (MANE Select); coding-DNA position 64, C replaced by G.
Protein change: p.Arg22Gly; replaces arginine 22 with glycine.
Molecular consequence: missense variant.
Genome position (GRCh38, 1-based): chr19:55,157,094, G>C on the plus strand (C>G on the coding strand, the complement: TNNI3 is on the minus strand). VCF-style: chr19-55157094-G-C. GRCh37 (hg19) VCF-style: chr19-55668462-G-C.
Other names: short protein forms R22G.
Identifiers: ClinVar variation 915701 (VCV000915701.6), dbSNP rs2085738602, ClinGen allele CA407443080.

ClinVar aggregate classification (germline): Uncertain significance. Review status: criteria provided, multiple submitters, no conflicts (2 of 4 stars). 2 submissions from 2 submitters: Uncertain significance (2). Last evaluated 2022-06-07.

Conditions:
Cardiomyopathy (CMYO). Also called: Cardiomyopathies. Identifiers: Orphanet 167848, MedGen C0878544, MONDO:0004994, HP:0001638. Inheritance: Various modes of inheritance.
Hypertrophic cardiomyopathy. Also called: HYPERTROPHIC MYOCARDIOPATHY. Identifiers: Orphanet 217569, MedGen C0007194, MeSH D002312, MONDO:0005045, HP:0001639.

Submissions (2):

Labcorp Genetics (formerly Invitae), Labcorp
Classification: Uncertain significance for Hypertrophic cardiomyopathy. Last evaluated: 2022-06-07. Review status: criteria provided, single submitter. Criteria: Invitae Variant Classification Sherloc (09022015). Collection method: clinical testing. Allele origin: germline.
Comment: This sequence change replaces arginine, which is basic and polar, with glycine, which is neutral and non-polar, at codon 22 of the TNNI3 protein (p.Arg22Gly). This variant is not present in population databases (gnomAD no frequency). This variant has not been reported in the literature in individuals affected with TNNI3-related conditions. ClinVar contains an entry for this variant (Variation ID: 915701). Algorithms developed to predict the effect of missense changes on protein structure and function are either unavailable or do not agree on the potential impact of this missense change (SIFT: "Deleterious"; PolyPhen-2: "Not Available"; Align-GVGD: "Class C0"). In summary, the available evidence is currently insufficient to determine the role of this variant in disease. Therefore, it has been classified as a Variant of Uncertain Significance.

CHEO Genetics Diagnostic Laboratory, Children's Hospital of Eastern Ontario
Classification: Uncertain significance for Cardiomyopathy. Last evaluated: 2018-03-27. Review status: criteria provided, single submitter. Criteria: ACMG Guidelines, 2015. Collection method: clinical testing. Allele origin: germline.